The following is an entry in ClinVar:

NM_019032.6(ADAMTSL4):c.2320A>G (p.Ile774Val)

Gene: ADAMTSL4 (ADAMTS like 4; plus strand). Cytogenetic location: 1q21.2.
Variant type: single nucleotide variant.
Coding change: c.2320A>G on transcript NM_019032.6 (MANE Select); coding-DNA position 2320, A replaced by G.
Protein change: p.Ile774Val; replaces isoleucine 774 with valine.
Molecular consequence: missense variant.
Genome position (GRCh38, 1-based): chr1:150,558,087, A>G. VCF-style: chr1-150558087-A-G. GRCh37 (hg19) VCF-style: chr1-150530563-A-G.
Other names: c.2203A>G, p.Ile735Val (NM_001288607.2); c.2389A>G, p.Ile797Val (NM_001288608.2); c.2320A>G, p.Ile774Val (NM_001378596.1, NM_025008.5); short protein forms I774V, I797V, I735V.
Identifiers: ClinVar variation 2056049 (VCV002056049.3), dbSNP rs777641907, ClinGen allele CA1078624.
Genomic context (GRCh38, chr1:150,558,087, plus strand): 5'-TTTGGGGGGGGTGGCTCCTCGGTGCCCCCGGAGCGCTGTGGACATCTCCCCCGGCCCAAC[A>G]TCACCCAGTCTTGCCAGCTGCGCCTCTGTGGCCATTGGGAAGTTGGCTCTCCTTGGAGCC-3'
Protein context (NP_061905.2, residues 764-784): ERCGHLPRPN[Ile774Val]TQSCQLRLCG

ClinVar aggregate classification (germline): Uncertain significance. Review status: criteria provided, multiple submitters, no conflicts (2 of 4 stars). 2 submissions from 2 submitters: Uncertain significance (2). Last evaluated 2025-03-26.

Allele frequency attached by ClinVar (database versions not stated): TOPMed below 0.00001; gnomAD exomes 0.00001; ExAC 0.00002.
gnomAD v4.1: 7 of 1,613,136 alleles (0.00043%); highest among the groups gnomAD compares: Admixed American, 0.005%; no homozygotes.

Submissions (2):

Labcorp Genetics (formerly Invitae), Labcorp
Classification: Uncertain significance. Last evaluated: 2025-03-26. Review status: criteria provided, single submitter. Criteria: Invitae Variant Classification Sherloc (09022015). Collection method: clinical testing. Allele origin: germline.
Comment: This sequence change replaces isoleucine, which is neutral and non-polar, with valine, which is neutral and non-polar, at codon 774 of the ADAMTSL4 protein (p.Ile774Val). This variant is present in population databases (rs777641907, gnomAD 0.006%). This variant has not been reported in the literature in individuals affected with ADAMTSL4-related conditions. ClinVar contains an entry for this variant (Variation ID: 2056049). Invitae Evidence Modeling of protein sequence and biophysical properties (such as structural, functional, and spatial information, amino acid conservation, physicochemical variation, residue mobility, and thermodynamic stability) indicates that this missense variant is not expected to disrupt ADAMTSL4 protein function with a negative predictive value of 80%. In summary, the available evidence is currently insufficient to determine the role of this variant in disease. Therefore, it has been classified as a Variant of Uncertain Significance.

Blueprint Genetics
Classification: Uncertain significance. Last evaluated: 2024-06-07. Review status: criteria provided, single submitter. Criteria: ACMG Guidelines, 2015. Collection method: clinical testing. Allele origin: germline.